The following is an entry in ClinVar:

NM_033004.4(NLRP1):c.3915+72G>C

Gene: NLRP1 (NLR family pyrin domain containing 1; minus strand). Cytogenetic location: 17p13.2.
Variant type: single nucleotide variant.
Coding change: c.3915+72G>C on transcript NM_033004.4 (MANE Select); 72 bases into the intron after coding-DNA position 3915, G replaced by C.
Molecular consequence: intron variant.
Genome position (GRCh38, 1-based): chr17:5,520,809, C>G on the plus strand (G>C on the coding strand, the complement: NLRP1 is on the minus strand). VCF-style: chr17-5520809-C-G. GRCh37 (hg19) VCF-style: chr17-5424129-C-G.
Other names: c.3927+72G>C (NM_001033053.3); c.3693+715G>C (NM_033007.4); c.3825+72G>C (NM_033006.4); c.3783+715G>C (NM_014922.5).
Identifiers: ClinVar variation 2628149 (VCV002628149.2), dbSNP rs12946467, ClinGen allele CA14369558.

ClinVar aggregate classification (germline): Benign (1 of 4 stars; one submission).

Allele frequency attached by ClinVar (database versions not stated): 1000 Genomes Project 0.20927; 1000 Genomes Project 30x 0.21736; TOPMed 0.31833; gnomAD 0.32689.
gnomAD v4.1: 503,920 of 1,373,100 alleles (37%); highest among the groups gnomAD compares: Non-Finnish European, 40%; 97,683 homozygotes.

Submission:

Unidad de Genómica Garrahan, Hospital de Pediatría Garrahan
Classification: Benign. Last evaluated: 2023-11-12. Review status: criteria provided, single submitter. Criteria: ACMG Guidelines, 2015. Collection method: clinical testing. Allele origin: germline. Affected: no. Observed: 54 variant alleles.
Comment: This variant is classified as Benign based on local population frequency. This variant was detected in 56% of patients studied by a panel of primary immunodeficiencies. Number of patients: 54. Only high quality variants are reported.